The following is an entry in ClinVar:

ClinVar aggregate classification (germline): Uncertain significance. Review status: criteria provided, multiple submitters, no conflicts (2 of 4 stars). 2 submissions from 2 submitters: Uncertain significance (2). Last evaluated 2025-05-07.

Conditions:
Inborn genetic diseases. Identifiers: MedGen C0950123, MeSH D030342.

Allele frequency attached by ClinVar (database versions not stated): gnomAD 0.00001; TOPMed 0.00001; gnomAD exomes 0.00007.
gnomAD v4.1: 99 of 1,613,044 alleles (0.0061%); highest among the groups gnomAD compares: Non-Finnish European, 0.0081%; no homozygotes.

Submissions (2):

Ambry Genetics
Classification: Uncertain significance for Inborn genetic diseases. Last evaluated: 2025-05-07. Review status: criteria provided, single submitter. Criteria: Ambry Variant Classification Scheme 2023. Collection method: clinical testing. Allele origin: germline.

Labcorp Genetics (formerly Invitae), Labcorp
Classification: Uncertain significance. Last evaluated: 2021-08-31. Review status: criteria provided, single submitter. Criteria: Invitae Variant Classification Sherloc (09022015). Collection method: clinical testing. Allele origin: germline.
Comment: This sequence change replaces glycine with serine at codon 1136 of the VPS13A protein (p.Gly1136Ser). The glycine residue is moderately conserved and there is a small physicochemical difference between glycine and serine. This variant is not present in population databases (ExAC no frequency). This variant has not been reported in the literature in individuals affected with VPS13A-related conditions. Algorithms developed to predict the effect of missense changes on protein structure and function are either unavailable or do not agree on the potential impact of this missense change (SIFT: "Tolerated"; PolyPhen-2: "Possibly Damaging"; Align-GVGD: "Class C0"). In summary, the available evidence is currently insufficient to determine the role of this variant in disease. Therefore, it has been classified as a Variant of Uncertain Significance.

NM_033305.3(VPS13A):c.3406G>A (p.Gly1136Ser)

Gene: VPS13A (vacuolar protein sorting 13 homolog A; plus strand). Cytogenetic location: 9q21.2.
Variant type: single nucleotide variant.
Coding change: c.3406G>A on transcript NM_033305.3 (MANE Select); coding-DNA position 3406, G replaced by A.
Protein change: p.Gly1136Ser; replaces glycine 1136 with serine.
Molecular consequence: missense variant.
Genome position (GRCh38, 1-based): chr9:77,293,407, G>A. VCF-style: chr9-77293407-G-A. GRCh37 (hg19) VCF-style: chr9-79908323-G-A.
Other names: c.3289G>A, p.Gly1097Ser (NM_001018037.2); c.3406G>A, p.Gly1136Ser (NM_001018038.3, NM_015186.4); c.3406G>A (NM_033305.2); short protein forms G1136S, G1097S.
Identifiers: ClinVar variation 2056215 (VCV002056215.2), dbSNP rs1300880036, ClinGen allele CA373849008.